The following is an entry in ClinVar:

ClinVar aggregate classification (germline): Pathogenic/Likely pathogenic. Review status: criteria provided, multiple submitters, no conflicts (2 of 4 stars). 2 submissions from 2 submitters: Pathogenic (1); Likely pathogenic (1). Last evaluated 2022-02-19.

Conditions:
ABCA4-related disorder. Also called: ABCA4-related condition; ABCA4-related disorders. Identifiers: MedGen CN239167.

Submissions (2):

Labcorp Genetics (formerly Invitae), Labcorp
Classification: Pathogenic. Last evaluated: 2022-02-19. Review status: criteria provided, single submitter. Criteria: Invitae Variant Classification Sherloc (09022015). Collection method: clinical testing. Allele origin: germline.
Comment: For these reasons, this variant has been classified as Pathogenic. This premature translational stop signal has been observed in individual(s) with Stargardt disease (PMID: 29854428). This variant is not present in population databases (gnomAD no frequency). This sequence change creates a premature translational stop signal (p.Ser673Argfs*6) in the ABCA4 gene. It is expected to result in an absent or disrupted protein product. Loss-of-function variants in ABCA4 are known to be pathogenic (PMID: 10958761, 24938718, 25312043, 26780318).

Blueprint Genetics
Classification: Likely pathogenic for ABCA4-related disorders. Last evaluated: 2020-02-12. Review status: criteria provided, single submitter. Criteria: ACMG Guidelines, 2015. Collection method: clinical testing. Allele origin: germline. Affected: yes. Observed: 1 variant allele.

Literature cited by the submitters: PubMed 29854428 (cited by Labcorp Genetics (formerly Invitae), Labcorp); PubMed 10958761 (cited by Labcorp Genetics (formerly Invitae), Labcorp); PubMed 24938718 (cited by Labcorp Genetics (formerly Invitae), Labcorp); PubMed 25312043 (cited by Labcorp Genetics (formerly Invitae), Labcorp); PubMed 26780318 (cited by Labcorp Genetics (formerly Invitae), Labcorp).

NM_000350.3(ABCA4):c.2019_2031del (p.Ser673fs)

Gene: ABCA4 (ATP binding cassette subfamily A member 4; minus strand). Cytogenetic location: 1p22.1.
Variant type: Deletion.
Coding change: c.2019_2031del on transcript NM_000350.3 (MANE Select); coding-DNA positions 2019 to 2031, 13 bases deleted (CATCGTCTTGGAG).
Protein change: p.Ser673fs; shifts the reading frame from serine 673.
Molecular consequence: frameshift variant.
Genome position (GRCh38, 1-based): chr1:94,060,666-94,060,678, CTCCAAGACGATG deleted on the plus strand (CATCGTCTTGGAG on the coding strand, the reverse complement: ABCA4 is on the minus strand); deleting any 13 consecutive bases within chr1:94,060,666-94,060,681 gives the same sequence; the c. name uses the placement nearest the transcript's 3' end. VCF-style (leftmost placement, unchanged base first): chr1-94060665-TCTCCAAGACGATG-T. GRCh37 (hg19) VCF-style: chr1-94526221-TCTCCAAGACGATG-T.
Other names: c.2016_2028delGAGCATCGTCTTG, p.Ser673Argfs (NM_001425324.1); short protein forms S673fs.
Identifiers: ClinVar variation 2099572 (VCV002099572.5), dbSNP rs2523832903, ClinGen allele CA2580063545.